The following is an entry in ClinVar:

ClinVar aggregate classification (germline): Pathogenic (1 of 4 stars; one submission).

Allele frequency attached by ClinVar (database versions not stated): gnomAD exomes below 0.00001.
gnomAD v4.1: 1 of 1,612,924 alleles (0.000062%); highest among the groups gnomAD compares: Non-Finnish European, 0.000085%; no homozygotes.

Submission:

Labcorp Genetics (formerly Invitae), Labcorp
Classification: Pathogenic. Last evaluated: 2023-04-22. Review status: criteria provided, single submitter. Criteria: Invitae Variant Classification Sherloc (09022015). Collection method: clinical testing. Allele origin: germline.
Comment: This variant is not present in population databases (gnomAD no frequency). For these reasons, this variant has been classified as Pathogenic. This variant has not been reported in the literature in individuals affected with TRIM37-related conditions. This sequence change creates a premature translational stop signal (p.Gly891*) in the TRIM37 gene. It is expected to result in an absent or disrupted protein product. Loss-of-function variants in TRIM37 are known to be pathogenic (PMID: 10888877, 15108285).

Literature cited by the submitters: PubMed 10888877; PubMed 15108285.

NM_015294.6(TRIM37):c.2671G>T (p.Gly891Ter)

Gene: TRIM37 (tripartite motif containing 37; minus strand). Cytogenetic location: 17q22.
Variant type: single nucleotide variant.
Coding change: c.2671G>T on transcript NM_015294.6 (MANE Select); coding-DNA position 2671, G replaced by T.
Protein change: p.Gly891Ter; replaces glycine 891 with a stop codon.
Molecular consequence: nonsense. On other transcripts: non-coding transcript variant (2).
Genome position (GRCh38, 1-based): chr17:59,012,352, C>A on the plus strand (G>T on the coding strand, the complement: TRIM37 is on the minus strand). VCF-style: chr17-59012352-C-A. GRCh37 (hg19) VCF-style: chr17-57089713-C-A.
Other names: c.2671G>T, p.Gly891Ter (NM_001005207.5, NM_001320988.3, NM_001320989.3 and 1 more transcripts); c.2569G>T, p.Gly857Ter (NM_001320987.3, NM_001353082.2); c.2305G>T, p.Gly769Ter (NM_001320990.3); c.1936G>T, p.Gly646Ter (NM_001353083.2); c.2209G>T, p.Gly737Ter (NM_001353085.2); c.2620G>T, p.Gly874Ter (NM_001353086.2); short protein forms G769*, G646*, G874*, G737*, G891*, G857*.
Identifiers: ClinVar variation 2858318 (VCV002858318.3), dbSNP rs2544880132, ClinGen allele CA400770287.